The following is an entry in ClinVar:

ClinVar aggregate classification (germline): Uncertain significance (1 of 4 stars; one submission).

Submission:

Labcorp Genetics (formerly Invitae), Labcorp
Classification: Uncertain significance. Last evaluated: 2025-09-15. Review status: criteria provided, single submitter. Criteria: Invitae Variant Classification Sherloc (09022015). Collection method: clinical testing. Allele origin: germline.
Comment: This sequence change replaces serine, which is neutral and polar, with glycine, which is neutral and non-polar, at codon 1246 of the FN1 protein (p.Ser1246Gly). This variant is not present in population databases (gnomAD no frequency). This variant has not been reported in the literature in individuals affected with FN1-related conditions. ClinVar contains an entry for this variant (Variation ID: 2812370). An algorithm developed to predict the effect of missense changes on protein structure and function (PolyPhen-2) suggests that this variant is likely to be disruptive. In summary, the available evidence is currently insufficient to determine the role of this variant in disease. Therefore, it has been classified as a Variant of Uncertain Significance.

NM_212482.4(FN1):c.3736A>G (p.Ser1246Gly)

Gene: FN1 (fibronectin 1; minus strand). Cytogenetic location: 2q35.
Variant type: single nucleotide variant.
Coding change: c.3736A>G on transcript NM_212482.4 (MANE Select); coding-DNA position 3736, A replaced by G.
Protein change: p.Ser1246Gly; replaces serine 1246 with glycine.
Molecular consequence: missense variant.
Genome position (GRCh38, 1-based): chr2:215,394,588, T>C on the plus strand (A>G on the coding strand, the complement: FN1 is on the minus strand). VCF-style: chr2-215394588-T-C. GRCh37 (hg19) VCF-style: chr2-216259311-T-C.
Other names: c.3736A>G, p.Ser1246Gly (NM_001306129.2, NM_001306130.2, NM_001306131.2 and 13 more transcripts); short protein forms S1246G.
Identifiers: ClinVar variation 2812370 (VCV002812370.3), dbSNP rs2469815446, ClinGen allele CA350486127.